The following is an entry in ClinVar:

NM_001035.3(RYR2):c.8254A>G (p.Lys2752Glu)

Gene: RYR2 (ryanodine receptor 2; plus strand). Cytogenetic location: 1q43.
Variant type: single nucleotide variant.
Coding change: c.8254A>G on transcript NM_001035.3 (MANE Select); coding-DNA position 8254, A replaced by G.
Protein change: p.Lys2752Glu; replaces lysine 2752 with glutamic acid.
Molecular consequence: missense variant.
Genome position (GRCh38, 1-based): chr1:237,660,030, A>G. VCF-style: chr1-237660030-A-G. GRCh37 (hg19) VCF-style: chr1-237823330-A-G.
Other names: short protein forms K2752E.
Identifiers: ClinVar variation 3893734 (VCV003893734.1).
Genomic context (GRCh38, chr1:237,660,030, plus strand): 5'-TTGCCTTTTTTTAAGTTGGCAAATGGATGGATTTATGGAGAAATATATTCAGACTCTTCT[A>G]AGGTTCAGCCATTAATGAAGCCATATAAGCTATTGTCTGAAAAGGTAAGGATTTTTTGTT-3'
Protein context (NP_001026.2, residues 2742-2762): IYGEIYSDSS[Lys2752Glu]VQPLMKPYKL

ClinVar aggregate classification (germline): Uncertain significance (1 of 4 stars; one submission).

Conditions:
Cardiomyopathy (CMYO). Also called: Cardiomyopathies. Identifiers: Orphanet 167848, MedGen C0878544, MONDO:0004994, HP:0001638. Inheritance: Various modes of inheritance.

Submission:

Color Diagnostics, LLC DBA Color Health
Classification: Uncertain significance for Cardiomyopathy. Last evaluated: 2024-04-30. Review status: criteria provided, single submitter. Criteria: ACMG Guidelines, 2015. Collection method: clinical testing. Allele origin: germline.
Comment: This missense variant replaces lysine with glutamic acid at codon 2752 of the RYR2 protein. Computational prediction suggests that this variant may have deleterious impact on protein structure and function (internally defined REVEL score threshold >= 0.7, PMID: 27666373). To our knowledge, functional studies have not been reported for this variant. This variant has not been reported in individuals affected with RYR2-related disorders in the literature. This variant has not been identified in the general population by the Genome Aggregation Database (gnomAD). The available evidence is insufficient to determine the role of this variant in disease conclusively. Therefore, this variant is classified as a Variant of Uncertain Significance.